The following is an entry in ClinVar:

NM_004204.5(PIGQ):c.1094_1095inv (p.Phe365Ter)

Gene: PIGQ (phosphatidylinositol glycan anchor biosynthesis class Q; plus strand). Cytogenetic location: 16p13.3.
Variant type: Inversion.
Coding change: c.1094_1095inv on transcript NM_004204.5 (MANE Select).
Protein change: p.Phe365Ter; replaces phenylalanine 365 with a stop codon.
Molecular consequence: nonsense.
Genome position: GRCh38 VCF-style: chr16-578809-TC-GA. GRCh37 (hg19) VCF-style: chr16-628809-TC-GA.
Other names: c.1094_1095inv, p.Phe365Ter (NM_148920.4); c.1094_1095delinsGA (NM_004204.3); short protein forms F365*.
Identifiers: ClinVar variation 656795 (VCV000656795.2), ClinGen allele CA915948970.
Genomic context (GRCh38, chr16:578,809, plus strand): 5'-CTGAGCGCCTCCTGAGGGCCTACCCCACCCTGCCAGGCTACATCCACCTCATGTCCCCCT[TC>GA]GTGGAGCACATCCTTTGGCACGTGGGCCTCTCGGCCTGCCTGGGCCTGACGGTGGCCCTG-3'

ClinVar aggregate classification (germline): Uncertain significance (1 of 4 stars; one submission).

Conditions:
Epilepsy. Also called: Seizure disorder. Identifiers: MedGen C0014544, MeSH D004827, MONDO:0005027.

Submission:

Labcorp Genetics (formerly Invitae), Labcorp
Classification: Uncertain significance for Epilepsy. Last evaluated: 2019-02-07. Review status: criteria provided, single submitter. Criteria: Invitae Variant Classification Sherloc (09022015). Collection method: clinical testing. Allele origin: germline.
Comment: This sequence change creates a premature translational stop signal (p.Phe365*) in the PIGQ gene. It is expected to result in an absent or disrupted protein product. This variant is not present in population databases (ExAC no frequency). This variant has not been reported in the literature in individuals with PIGQ-related disease. The current clinical and genetic evidence is not sufficient to establish whether loss-of-function variants in PIGQ cause disease. In summary, the available evidence is currently insufficient to determine the role of this variant in disease. Therefore, it has been classified as a Variant of Uncertain Significance.